The following is an entry in ClinVar:

NC_000001.11:g.(?_44822405)_(45340264_?)dup

Genes: EIF2B3 (eukaryotic translation initiation factor 2B subunit gamma; minus strand), HECTD3 (HECT domain E3 ubiquitin protein ligase 3; minus strand), HPDL (4-hydroxyphenylpyruvate dioxygenase like; plus strand), MUTYH (mutY DNA glycosylase; minus strand), PTCH2 (patched 2; minus strand) and 3 more. Cytogenetic location: 1p34.1.
Variant type: Duplication.
Identifiers: ClinVar variation 830540 (VCV000830540.1).

ClinVar aggregate classification (germline): Uncertain significance (1 of 4 stars; one submission).

Conditions:
Familial adenomatous polyposis 2. Also called: FAP type 2; MUTYH Polyposis; COLORECTAL ADENOMATOUS POLYPOSIS, AUTOSOMAL RECESSIVE; ADENOMAS, MULTIPLE COLORECTAL, AUTOSOMAL RECESSIVE; MUTYH-associated polyposis; MUTYH-related attenuated familial adenomatous polyposis. Identifiers: Orphanet 220460, Orphanet 247798, MedGen C3272841, MONDO:0012041, OMIM 608456.

Submission:

Labcorp Genetics (formerly Invitae), Labcorp
Classification: Uncertain significance for MYH-associated polyposis. Last evaluated: 2019-05-08. Review status: criteria provided, single submitter. Criteria: Invitae Variant Classification Sherloc (09022015). Collection method: clinical testing. Allele origin: germline.
Comment: This variant results in a copy number gain of the genomic region encompassing the full coding sequence of the MUTYH gene. The boundaries of this event are unknown as they extend beyond the assayed region for this gene and therefore may encompass additional genes. As the precise location of this event is unknown, it may be in tandem or it may be located elsewhere in the genome. This variant has not been reported in the literature in individuals with MUTYH-related disease. ClinVar contains an entry for a similar whole gene copy number gain (Variation ID: 216516). In summary, the available evidence is currently insufficient to determine the role of this variant in disease. Therefore, it has been classified as a Variant of Uncertain Significance.